The following is an entry in ClinVar:

NM_000393.5(COL5A2):c.1924-17T>C

Gene: COL5A2 (collagen type V alpha 2 chain; minus strand). Cytogenetic location: 2q32.2.
Variant type: single nucleotide variant.
Coding change: c.1924-17T>C on transcript NM_000393.5 (MANE Select); 17 bases into the intron before coding-DNA position 1924, T replaced by C.
Molecular consequence: intron variant.
Genome position (GRCh38, 1-based): chr2:189,062,935, A>G on the plus strand (T>C on the coding strand, the complement: COL5A2 is on the minus strand). VCF-style: chr2-189062935-A-G. GRCh37 (hg19) VCF-style: chr2-189927661-A-G.
Identifiers: ClinVar variation 2057593 (VCV002057593.4), dbSNP rs2469294864, ClinGen allele CA2580065363.

ClinVar aggregate classification (germline): Uncertain significance (1 of 4 stars; one submission).

Conditions:
Ehlers-Danlos syndrome, classic type, 1 (EDSCL1). Also called: EHLERS-DANLOS SYNDROME, GRAVIS TYPE; EHLERS-DANLOS SYNDROME, SEVERE CLASSIC TYPE; Ehlers-Danlos syndrome, type 1; EDS I; Ehlers-Danlos Syndrome, Classic Type, COL5A1-Related. Identifiers: MedGen C0268335, MONDO:0019567, OMIM 130000.

gnomAD v4.1: 6 of 1,614,056 alleles (0.00037%); no homozygotes.

Submission:

Labcorp Genetics (formerly Invitae), Labcorp
Classification: Uncertain significance for Ehlers-Danlos syndrome, classic type, 1. Last evaluated: 2023-07-07. Review status: criteria provided, single submitter. Criteria: Invitae Variant Classification Sherloc (09022015). Collection method: clinical testing. Allele origin: germline.
Comment: In summary, the available evidence is currently insufficient to determine the role of this variant in disease. Therefore, it has been classified as a Variant of Uncertain Significance. Algorithms developed to predict the effect of sequence changes on RNA splicing suggest that this variant may disrupt the consensus splice site. ClinVar contains an entry for this variant (Variation ID: 2057593). This variant has not been reported in the literature in individuals affected with COL5A2-related conditions. This variant is not present in population databases (gnomAD no frequency). This sequence change falls in intron 28 of the COL5A2 gene. It does not directly change the encoded amino acid sequence of the COL5A2 protein.